The following is an entry in ClinVar:

ClinVar aggregate classification (germline): Uncertain significance. Review status: criteria provided, multiple submitters, no conflicts (2 of 4 stars). 2 submissions from 2 submitters: Uncertain significance (2). Last evaluated 2024-03-08.

Submissions (2):

Ambry Genetics
Classification: Uncertain significance. Last evaluated: 2024-03-08. Review status: criteria provided, single submitter. Criteria: Ambry Variant Classification Scheme 2023. Collection method: clinical testing. Allele origin: germline.
Comment: The p.G193A variant (also known as c.578G>C), located in coding exon 3 of the GALNT12 gene, results from a G to C substitution at nucleotide position 578. The glycine at codon 193 is replaced by alanine, an amino acid with similar properties. This amino acid position is conserved. In addition, this alteration is predicted to be tolerated by in silico analysis. Based on the available evidence, the clinical significance of this alteration remains unclear.

Labcorp Genetics (formerly Invitae), Labcorp
Classification: Uncertain significance. Last evaluated: 2023-12-07. Review status: criteria provided, single submitter. Criteria: Invitae Variant Classification Sherloc (09022015). Collection method: clinical testing. Allele origin: germline.
Comment: This sequence change replaces glycine, which is neutral and non-polar, with alanine, which is neutral and non-polar, at codon 193 of the GALNT12 protein (p.Gly193Ala). This variant is not present in population databases (gnomAD no frequency). This variant has not been reported in the literature in individuals affected with GALNT12-related conditions. ClinVar contains an entry for this variant (Variation ID: 854767). Advanced modeling of protein sequence and biophysical properties (such as structural, functional, and spatial information, amino acid conservation, physicochemical variation, residue mobility, and thermodynamic stability) performed at Invitae indicates that this missense variant is not expected to disrupt GALNT12 protein function with a negative predictive value of 80%. In summary, the available evidence is currently insufficient to determine the role of this variant in disease. Therefore, it has been classified as a Variant of Uncertain Significance.

NM_024642.5(GALNT12):c.578G>C (p.Gly193Ala)

Gene: GALNT12 (polypeptide N-acetylgalactosaminyltransferase 12; plus strand). Cytogenetic location: 9q22.33.
Variant type: single nucleotide variant.
Coding change: c.578G>C on transcript NM_024642.5 (MANE Select); coding-DNA position 578, G replaced by C.
Protein change: p.Gly193Ala; replaces glycine 193 with alanine.
Molecular consequence: missense variant.
Genome position (GRCh38, 1-based): chr9:98,826,788, G>C. VCF-style: chr9-98826788-G-C. GRCh37 (hg19) VCF-style: chr9-101589070-G-C.
Other names: short protein forms G193A.
Identifiers: ClinVar variation 854767 (VCV000854767.10), dbSNP rs1835865743, ClinGen allele CA374217372.